The following is an entry in ClinVar:

NM_001127496.3(SPRY4):c.25G>A (p.Ala9Thr)

Gene: SPRY4 (sprouty RTK signaling antagonist 4; minus strand). Cytogenetic location: 5q31.3.
Variant type: single nucleotide variant.
Coding change: c.25G>A on transcript NM_001127496.3 (MANE Select); coding-DNA position 25, G replaced by A.
Protein change: p.Ala9Thr; replaces alanine 9 with threonine.
Molecular consequence: missense variant.
Genome position (GRCh38, 1-based): chr5:142,315,084, C>T on the plus strand (G>A on the coding strand, the complement: SPRY4 is on the minus strand). VCF-style: chr5-142315084-C-T. GRCh37 (hg19) VCF-style: chr5-141694649-C-T.
Other names: c.25G>A, p.Ala9Thr (NM_001293289.3, NM_001293290.3); c.94G>A, p.Ala32Thr (NM_030964.5); short protein forms A32T, A9T.
Identifiers: ClinVar variation 727400 (VCV000727400.35), dbSNP rs77566564, ClinGen allele CA3485636.

ClinVar aggregate classification (germline): Likely benign. Review status: criteria provided, multiple submitters, no conflicts (2 of 4 stars). 4 submissions from 4 submitters: Likely benign (4). Last evaluated 2025-11-20.

Allele frequency attached by ClinVar (database versions not stated): gnomAD 0.00027 and 0.00043; TOPMed 0.00029; ESP Exome Variant Server 0.00039; ExAC 0.00147; 1000 Genomes Project 30x 0.00156; 1000 Genomes Project 0.00160.

Submissions (4):

Labcorp Genetics (formerly Invitae), Labcorp
Classification: Likely benign. Last evaluated: 2025-11-20. Review status: criteria provided, single submitter. Criteria: Invitae Variant Classification Sherloc (09022015). Collection method: clinical testing. Allele origin: germline.

CeGaT Center for Human Genetics Tuebingen
Classification: Likely benign. Last evaluated: 2023-11-01. Review status: criteria provided, single submitter. Criteria: CeGaT Center For Human Genetics Tuebingen Variant Classification Criteria Version 2. Collection method: clinical testing. Allele origin: germline. Affected: yes. Observed: 1 variant allele.
Comment: SPRY4: BP4, BS2

GeneDx
Classification: Likely benign. Last evaluated: 2022-05-27. Review status: criteria provided, single submitter. Criteria: GeneDx Variant Classification Process June 2021. Collection method: clinical testing. Allele origin: germline. Affected: yes.
Comment: See Variant Classification Assertion Criteria.

Breakthrough Genomics
Classification: Likely benign. Review status: criteria provided, single submitter. Criteria: ACMG Guidelines, 2015. Collection method: not provided. Allele origin: germline. Inheritance: Autosomal dominant inheritance. Affected: yes.